The following is an entry in ClinVar:

NM_000159.4(GCDH):c.643A>G (p.Asn215Asp)

Gene: GCDH (glutaryl-CoA dehydrogenase; plus strand). Cytogenetic location: 19p13.13.
Variant type: single nucleotide variant.
Coding change: c.643A>G on transcript NM_000159.4 (MANE Select); coding-DNA position 643, A replaced by G.
Protein change: p.Asn215Asp; replaces asparagine 215 with aspartic acid.
Molecular consequence: missense variant. On other transcripts: non-coding transcript variant (1).
Genome position (GRCh38, 1-based): chr19:12,896,212, A>G. VCF-style: chr19-12896212-A-G. GRCh37 (hg19) VCF-style: chr19-13007026-A-G.
Other names: c.643A>G, p.Asn215Asp (NM_013976.5); short protein forms N215D.
Identifiers: ClinVar variation 862517 (VCV000862517.7), dbSNP rs1970674860, ClinGen allele CA404318460.

ClinVar aggregate classification (germline): Uncertain significance (1 of 4 stars; one submission).

Conditions:
Glutaric aciduria, type 1. Also called: GA I; Glutaric acidemia type I; Glutaryl-CoA dehydrogenase deficiency; Glutaricacidemia Type 1; Glutaricaciduria, type I; Glutaric Acidemia Type 1. Identifiers: Orphanet 25, MedGen C0268595, MONDO:0009281, OMIM 231670.

Submission:

Labcorp Genetics (formerly Invitae), Labcorp
Classification: Uncertain significance for Glutaric aciduria, type 1. Last evaluated: 2021-08-27. Review status: criteria provided, single submitter. Criteria: Invitae Variant Classification Sherloc (09022015). Collection method: clinical testing. Allele origin: germline.
Comment: This sequence change replaces asparagine with aspartic acid at codon 215 of the GCDH protein (p.Asn215Asp). The asparagine residue is highly conserved and there is a small physicochemical difference between asparagine and aspartic acid. This variant is not present in population databases (ExAC no frequency). This missense change has been observed in individual(s) with glutaric acidemia type I (Invitae). Algorithms developed to predict the effect of missense changes on protein structure and function are either unavailable or do not agree on the potential impact of this missense change (SIFT: "Deleterious"; PolyPhen-2: "Probably Damaging"; Align-GVGD: "Class C0"). In summary, the available evidence is currently insufficient to determine the role of this variant in disease. Therefore, it has been classified as a Variant of Uncertain Significance.